The following is an entry in ClinVar:

ClinVar aggregate classification (germline): Uncertain significance (1 of 4 stars; one submission).

Conditions:
Hereditary cancer-predisposing syndrome. Also called: Tumor predisposition; Hereditary Cancer Syndrome; Neoplastic Syndromes, Hereditary; Hereditary neoplastic syndrome. Identifiers: Orphanet 140162, MedGen C0027672, MeSH D009386, MONDO:0015356.

Submission:

Color Diagnostics, LLC DBA Color Health
Classification: Uncertain significance for Hereditary cancer-predisposing syndrome. Last evaluated: 2025-06-23. Review status: criteria provided, single submitter. Criteria: ACMG Guidelines, 2015. Collection method: clinical testing. Allele origin: germline.
Comment: This missense variant replaces histidine with leucine at codon 532 of the PMS2 protein. Computational prediction suggests that this variant may not impact protein structure and function. To our knowledge, functional studies have not been reported for this variant. This variant has not been reported in individuals affected with PMS2-related disorders in the literature. This variant has not been identified in the general population by the Genome Aggregation Database (gnomAD). The available evidence is insufficient to determine the role of this variant in disease conclusively. Therefore, this variant is classified as a Variant of Uncertain Significance.

NM_000535.7(PMS2):c.1595A>T (p.His532Leu)

Gene: PMS2 (PMS1 homolog 2, mismatch repair system component; minus strand). Cytogenetic location: 7p22.1.
Variant type: single nucleotide variant.
Coding change: c.1595A>T on transcript NM_000535.7 (MANE Select); coding-DNA position 1595, A replaced by T.
Protein change: p.His532Leu; replaces histidine 532 with leucine.
Molecular consequence: missense variant. On other transcripts: non-coding transcript variant (1), intron variant (1).
Genome position (GRCh38, 1-based): chr7:5,987,170, T>A on the plus strand (A>T on the coding strand, the complement: PMS2 is on the minus strand). VCF-style: chr7-5987170-T-A. GRCh37 (hg19) VCF-style: chr7-6026801-T-A.
Other names: c.1190A>T, p.His397Leu (NM_001322003.2, NM_001322004.2, NM_001322005.2 and 16 more transcripts); c.1439A>T, p.His480Leu (NM_001322006.2, NM_001406870.1); c.1277A>T, p.His426Leu (NM_001322007.2, NM_001322008.2, NM_001406876.1 and 2 more transcripts); c.1034A>T, p.His345Leu (NM_001322010.2, NM_001406906.1, NM_001406907.1); c.662A>T, p.His221Leu (NM_001322011.2, NM_001322012.2); c.1022A>T, p.His341Leu (NM_001322013.2, NM_001406909.1); c.1595A>T, p.His532Leu (NM_001322014.2, NM_001406871.1, NM_001406872.1); c.1286A>T, p.His429Leu (NM_001322015.2, NM_001406875.1, NM_001406877.1 and 5 more transcripts); and 13 more; short protein forms H221L, H275L, H341L, H345L, H361L, H374L, H377L, H397L.
Identifiers: ClinVar variation 4757069 (VCV004757069.1).